The following is an entry in ClinVar:

NM_000069.3(CACNA1S):c.5227-20C>T

Gene: CACNA1S (calcium voltage-gated channel subunit alpha1 S; minus strand). Cytogenetic location: 1q32.1.
Variant type: single nucleotide variant.
Coding change: c.5227-20C>T on transcript NM_000069.3 (MANE Select); 20 bases into the intron before coding-DNA position 5227, C replaced by T.
Molecular consequence: intron variant.
Genome position (GRCh38, 1-based): chr1:201,040,394, G>A on the plus strand (C>T on the coding strand, the complement: CACNA1S is on the minus strand). VCF-style: chr1-201040394-G-A. GRCh37 (hg19) VCF-style: chr1-201009522-G-A.
Identifiers: ClinVar variation 389563 (VCV000389563.6), dbSNP rs377205612, ClinGen allele CA083775.
Genomic context (GRCh38, chr1:201,040,394, plus strand): 5'-CTCTTTCTGTCCTCAGGCATGGAGGACTCCACCCTGGGGCACTGTTCCAAAGGTACAAAA[G>A]CAAAGACCCCGACAGGGGTGCTGGAGCCCACCAATGAGCAAAATTCCAGATCATCTGAGG-3'

ClinVar aggregate classification (germline): Likely benign. Review status: criteria provided, multiple submitters, no conflicts (2 of 4 stars). 7 submissions from 4 submitters: Likely benign (7). Last evaluated 2025-04-23.

Conditions:
Hypokalemic periodic paralysis, type 1. Also called: Hypokalemic Periodic Paralysis Type 1 (AD); HypoPP. Identifiers: Orphanet 681, MedGen C3714580, MONDO:0042979, OMIM 170400.
Malignant hyperthermia, susceptibility to, 5 (MHS5). Also called: CACNA1S-Related Malignant Hyperthermia Susceptibility. Identifiers: Orphanet 423, MedGen C1866077, MONDO:0011163, OMIM 601887.
Thyrotoxic periodic paralysis, susceptibility to, 1 (TTPP1). Identifiers: Orphanet 79102, MedGen C2749982, MONDO:0008570, OMIM 188580.
Congenital myopathy 18. Also called: DIHYDROPYRIDINE RECEPTOR CONGENITAL MYOPATHY; DHPR CONGENITAL MYOPATHY; Myopathy, congenital, due to dihydropyridine receptor defect. Identifiers: MedGen C5830283, MONDO:0859514, OMIM 620246.

Allele frequency attached by ClinVar (database versions not stated): gnomAD exomes 0.00001 and 0.00005; ExAC 0.00003; gnomAD 0.00010 and 0.00011; TOPMed 0.00012; 1000 Genomes Project 0.00020; ESP Exome Variant Server 0.00023; 1000 Genomes Project 30x 0.00031.
gnomAD v4.1: 27 of 1,611,874 alleles (0.0017%); highest among the groups gnomAD compares: African/African-American, 0.029%; no homozygotes.

Submissions (7):

Labcorp Genetics (formerly Invitae), Labcorp
Classification: Likely benign for Hypokalemic periodic paralysis, type 1; Malignant hyperthermia, susceptibility to, 5. Last evaluated: 2025-04-23. Review status: criteria provided, single submitter. Criteria: Invitae Variant Classification Sherloc (09022015). Collection method: clinical testing. Allele origin: germline.

Genome-Nilou Lab
Classification: Likely benign for Malignant hyperthermia, susceptibility to, 5. Last evaluated: 2023-04-11. Review status: criteria provided, single submitter. Criteria: ACMG Guidelines, 2015. Collection method: clinical testing. Allele origin: germline. Affected: no.

Genome-Nilou Lab
Classification: Likely benign for Thyrotoxic periodic paralysis, susceptibility to, 1. Last evaluated: 2023-04-11. Review status: criteria provided, single submitter. Criteria: ACMG Guidelines, 2015. Collection method: clinical testing. Allele origin: germline. Affected: no.

Genome-Nilou Lab
Classification: Likely benign for Congenital myopathy 18. Last evaluated: 2023-04-11. Review status: criteria provided, single submitter. Criteria: ACMG Guidelines, 2015. Collection method: clinical testing. Allele origin: germline. Affected: no.

Genome-Nilou Lab
Classification: Likely benign for Hypokalemic periodic paralysis, type 1. Last evaluated: 2023-04-11. Review status: criteria provided, single submitter. Criteria: ACMG Guidelines, 2015. Collection method: clinical testing. Allele origin: germline. Affected: no.

Fulgent Genetics
Classification: Likely benign for Hypokalemic periodic paralysis, type 1; Thyrotoxic periodic paralysis, susceptibility to, 1; Malignant hyperthermia, susceptibility to, 5. Last evaluated: 2022-04-18. Review status: criteria provided, single submitter. Criteria: ACMG Guidelines, 2015. Collection method: clinical testing. Allele origin: unknown.

GeneDx
Classification: Likely benign. Last evaluated: 2016-10-13. Review status: criteria provided, single submitter. Criteria: GeneDx Variant Classification (06012015). Collection method: clinical testing. Allele origin: germline. Affected: yes.
Comment: This variant is considered likely benign or benign based on one or more of the following criteria: it is a conservative change, it occurs at a poorly conserved position in the protein, it is predicted to be benign by multiple in silico algorithms, and/or has population frequency not consistent with disease.